The following is an entry in ClinVar:

NM_001352186.2(ANKS1B):c.2114A>C (p.Asn705Thr)

Gene: ANKS1B (ankyrin repeat and sterile alpha motif domain containing 1B; minus strand). Cytogenetic location: 12q23.1.
Variant type: single nucleotide variant.
Coding change: c.2114A>C on transcript NM_001352186.2 (MANE Select); coding-DNA position 2114, A replaced by C.
Protein change: p.Asn705Thr; replaces asparagine 705 with threonine.
Molecular consequence: missense variant.
Genome position (GRCh38, 1-based): chr12:99,246,507, T>G on the plus strand (A>C on the coding strand, the complement: ANKS1B is on the minus strand). VCF-style: chr12-99246507-T-G. GRCh37 (hg19) VCF-style: chr12-99640285-T-G.
Other names: c.2114A>C, p.Asn705Thr (NM_001352185.1, NM_001352187.1, NM_001352188.1 and 1 more transcripts); short protein forms N705T.
Identifiers: ClinVar variation 4732602 (VCV004732602.1).

ClinVar aggregate classification (germline): Uncertain significance (1 of 4 stars; one submission).

gnomAD v4.1: 1 of 1,613,868 alleles (0.000062%); highest among the groups gnomAD compares: Non-Finnish European, 0.000085%; no homozygotes.

Submission:

Labcorp Genetics (formerly Invitae), Labcorp
Classification: Uncertain significance. Last evaluated: 2025-12-06. Review status: criteria provided, single submitter. Criteria: Invitae Variant Classification Sherloc (09022015). Collection method: clinical testing. Allele origin: germline.
Comment: This sequence change replaces asparagine, which is neutral and polar, with threonine, which is neutral and polar, at codon 705 of the ANKS1B protein (p.Asn705Thr). This variant is not present in population databases (gnomAD no frequency). This variant has not been reported in the literature in individuals affected with ANKS1B-related conditions. An algorithm developed to predict the effect of missense changes on protein structure and function (PolyPhen-2) suggests that this variant is likely to be tolerated. In summary, the available evidence is currently insufficient to determine the role of this variant in disease. Therefore, it has been classified as a Variant of Uncertain Significance.